The following is an entry in ClinVar:

ClinVar aggregate classification (germline): Uncertain significance. Review status: criteria provided, multiple submitters, no conflicts (2 of 4 stars). 3 submissions from 3 submitters: Uncertain significance (3). Last evaluated 2025-11-04.

Conditions:
Cardiovascular phenotype. Identifiers: MedGen CN230736.
Hypertrophic cardiomyopathy 14. Identifiers: MedGen C2750467, MONDO:0013197, OMIM 613251.

Submissions (3):

Ambry Genetics
Classification: Uncertain significance for Cardiovascular phenotype. Last evaluated: 2025-11-04. Review status: criteria provided, single submitter. Criteria: Ambry Variant Classification Scheme 2023. Collection method: clinical testing. Allele origin: germline.
Comment: The c.4390_4391delGAinsTC variant (also known as p.E1464S), located in coding exon 29 of the MYH6 gene, results from an in-frame deletion of GA and insertion of TC at nucleotide positions 4390 to 4391. This results in the substitution of the glutamic acid residue for a serine residue at codon 1464, an amino acid with similar properties. Based on data from gnomAD, this allele has an overall frequency of 0.0025% (7/281408) total alleles studied. The highest observed frequency was 0.0281% (7/24872) of African/African American alleles. This amino acid position is highly conserved in available vertebrate species. In addition, the in silico prediction for this alteration is inconclusive (Choi Y et al. PLoS ONE. 2012; 7(10):e46688). Since supporting evidence is limited at this time, the clinical significance of this alteration remains unclear.

Labcorp Genetics (formerly Invitae), Labcorp
Classification: Uncertain significance for Hypertrophic cardiomyopathy 14. Last evaluated: 2025-10-08. Review status: criteria provided, single submitter. Criteria: Invitae Variant Classification Sherloc (09022015). Collection method: clinical testing. Allele origin: germline.
Comment: This sequence change replaces glutamic acid, which is acidic and polar, with serine, which is neutral and polar, at codon 1464 of the MYH6 protein (p.Glu1464Ser). The frequency data for this variant in the population databases is considered unreliable, as metrics indicate poor data quality at this position in the gnomAD database. This variant has not been reported in the literature in individuals affected with MYH6-related conditions. ClinVar contains an entry for this variant (Variation ID: 573220). An algorithm developed to predict the effect of missense changes on protein structure and function (PolyPhen-2) suggests that this variant is likely to be disruptive. In summary, the available evidence is currently insufficient to determine the role of this variant in disease. Therefore, it has been classified as a Variant of Uncertain Significance.

GeneDx
Classification: Uncertain significance. Last evaluated: 2025-02-27. Review status: criteria provided, single submitter. Criteria: GeneDx Variant Classification Process June 2021. Collection method: clinical testing. Allele origin: germline. Affected: yes.
Comment: In silico analysis supports a deleterious effect on protein structure/function; Has not been previously published as pathogenic or benign to our knowledge

NM_002471.4(MYH6):c.4390_4391inv (p.Glu1464Ser)

Gene: MYH6 (myosin heavy chain 6; minus strand). Cytogenetic location: 14q11.2.
Variant type: Inversion.
Coding change: c.4390_4391inv on transcript NM_002471.4 (MANE Select).
Protein change: p.Glu1464Ser; replaces glutamic acid 1464 with serine.
Molecular consequence: missense variant.
Genome position: GRCh38 VCF-style: chr14-23387892-TC-GA. GRCh37 (hg19) VCF-style: chr14-23857101-TC-GA.
Other names: c.4390_4391delGAinsTC (NM_002471.3); c.4390_4391delinsTC (NM_002471.3); short protein forms E1464S.
Identifiers: ClinVar variation 573220 (VCV000573220.13), ClinGen allele CA891843590.